The following is an entry in ClinVar:

NM_001372106.1(DNAH10):c.12605T>C (p.Ile4202Thr)

Genes: DNAH10 (dynein axonemal heavy chain 10; plus strand), DNAH10OS (dynein axonemal heavy chain 10 opposite strand; minus strand). Cytogenetic location: 12q24.31.
Variant type: single nucleotide variant.
Coding change: c.12605T>C on transcript NM_001372106.1 (MANE Select); coding-DNA position 12605, T replaced by C.
Protein change: p.Ile4202Thr; replaces isoleucine 4202 with threonine.
Molecular consequence: missense variant.
Genome position (GRCh38, 1-based): chr12:123,929,752, T>C. VCF-style: chr12-123929752-T-C. GRCh37 (hg19) VCF-style: chr12-124414299-T-C.
Other names: c.12251T>C, p.Ile4084Thr (NM_001083900.1, NM_207437.3); short protein forms I4084T, I4202T.
Identifiers: ClinVar variation 2504194 (VCV002504194.2), dbSNP rs767370719, ClinGen allele CA6865970.

ClinVar aggregate classification (germline): Uncertain significance. Review status: criteria provided, multiple submitters, no conflicts (2 of 4 stars). 2 submissions from 2 submitters: Uncertain significance (2). Last evaluated 2025-11-12.

Allele frequency attached by ClinVar (database versions not stated): gnomAD 0.00002; TOPMed 0.00002; gnomAD exomes 0.00003; ExAC 0.00011.
gnomAD v4.1: 43 of 1,611,772 alleles (0.0027%); highest among the groups gnomAD compares: South Asian, 0.044%; no homozygotes.

Submissions (2):

Ambry Genetics
Classification: Uncertain significance. Last evaluated: 2025-11-12. Review status: criteria provided, single submitter. Criteria: Ambry Variant Classification Scheme 2023. Collection method: clinical testing. Allele origin: germline.
Comment: The c.12251T>C (p.I4084T) alteration is located in exon 71 (coding exon 71) of the DNAH10 gene. This alteration results from a T to C substitution at nucleotide position 12251, causing the isoleucine (I) at amino acid position 4084 to be replaced by a threonine (T). Based on data from gnomAD, the C allele has an overall frequency of 0.006% (16/275834) total alleles studied. The highest observed frequency was 0.05% (15/29830) of South Asian alleles. Based on insufficient or conflicting evidence, the clinical significance of this alteration remains unclear.

GeneDx
Classification: Uncertain significance. Last evaluated: 2022-12-01. Review status: criteria provided, single submitter. Criteria: GeneDx Variant Classification Process June 2021. Collection method: clinical testing. Allele origin: germline. Affected: yes.
Comment: In silico analysis supports that this missense variant has a deleterious effect on protein structure/function; Has not been previously published as pathogenic or benign to our knowledge